The following is an entry in ClinVar:

NM_000535.7(PMS2):c.1471G>C (p.Glu491Gln)

Gene: PMS2 (PMS1 homolog 2, mismatch repair system component; minus strand). Cytogenetic location: 7p22.1.
Variant type: single nucleotide variant.
Coding change: c.1471G>C on transcript NM_000535.7 (MANE Select); coding-DNA position 1471, G replaced by C.
Protein change: p.Glu491Gln; replaces glutamic acid 491 with glutamine.
Molecular consequence: missense variant. On other transcripts: non-coding transcript variant (1).
Genome position (GRCh38, 1-based): chr7:5,987,294, C>G on the plus strand (G>C on the coding strand, the complement: PMS2 is on the minus strand). VCF-style: chr7-5987294-C-G. GRCh37 (hg19) VCF-style: chr7-6026925-C-G.
Other names: c.1162G>C, p.Glu388Gln (NM_001322015.2); c.1066G>C, p.Glu356Gln (NM_001322003.2, NM_001322004.2, NM_001322005.2 and 1 more transcripts); c.1315G>C, p.Glu439Gln (NM_001322006.2); c.1153G>C, p.Glu385Gln (NM_001322007.2, NM_001322008.2); c.910G>C, p.Glu304Gln (NM_001322010.2); c.538G>C, p.Glu180Gln (NM_001322011.2, NM_001322012.2); c.898G>C, p.Glu300Gln (NM_001322013.2); c.1471G>C, p.Glu491Gln (NM_001322014.2); short protein forms E388Q, E304Q, E385Q, E439Q, E356Q, E180Q, E300Q, E491Q.
Identifiers: ClinVar variation 943046 (VCV000943046.9), dbSNP rs1064794577, ClinGen allele CA366741869.

ClinVar aggregate classification (germline): Uncertain significance (1 of 4 stars; one submission).

Conditions:
Hereditary nonpolyposis colorectal neoplasms. Identifiers: MedGen C0009405, MeSH D003123.

Submission:

Labcorp Genetics (formerly Invitae), Labcorp
Classification: Uncertain significance for Hereditary nonpolyposis colorectal neoplasms. Last evaluated: 2025-10-29. Review status: criteria provided, single submitter. Criteria: Invitae Variant Classification Sherloc (09022015). Collection method: clinical testing. Allele origin: germline.
Comment: This sequence change replaces glutamic acid, which is acidic and polar, with glutamine, which is neutral and polar, at codon 491 of the PMS2 protein (p.Glu491Gln). This variant is not present in population databases (gnomAD no frequency). This variant has not been reported in the literature in individuals affected with PMS2-related conditions. ClinVar contains an entry for this variant (Variation ID: 943046). Invitae Evidence Modeling incorporating data from in vitro experimental studies (internal data) indicates that this missense variant is not expected to disrupt PMS2 function with a negative predictive value of 95%. In summary, the available evidence is currently insufficient to determine the role of this variant in disease. Therefore, it has been classified as a Variant of Uncertain Significance.